The following is an entry in ClinVar:

ClinVar aggregate classification (germline): Conflicting classifications of pathogenicity. Review status: criteria provided, conflicting classifications (1 of 4 stars). 3 submissions from 3 submitters: Uncertain significance (2); Likely benign (1). Last evaluated 2026-05-28.

Conditions:
CREBBP-related disorder. Also called: CREBBP-related condition; CREBBP-related disorders.
Rubinstein-Taybi syndrome (RSTS). Identifiers: Orphanet 783, MedGen C0035934, MONDO:0019188.

Allele frequency attached by ClinVar (database versions not stated): ExAC 0.00001; gnomAD 0.00001; ESP Exome Variant Server 0.00008; 1000 Genomes Project 30x 0.00016; 1000 Genomes Project 0.00020.
gnomAD v4.1: 6 of 1,612,358 alleles (0.00037%); highest among the groups gnomAD compares: East Asian, 0.0045%; no homozygotes.

Submissions (3):

PreventionGenetics, part of Exact Sciences
Classification: Uncertain significance for CREBBP-related condition. Last evaluated: 2026-05-28. Review status: criteria provided, single submitter. Criteria: ACMG Guidelines, 2015. Collection method: clinical testing. Allele origin: germline.
Comment: The CREBBP c.2360C>T variant is predicted to result in the amino acid substitution p.Ala787Val. To our knowledge, this variant has not been reported in the literature. This variant is reported in 0.0062% of alleles in individuals of African descent in gnomAD. At this time, the clinical significance of this variant is uncertain due to the absence of conclusive functional and genetic evidence.

Labcorp Genetics (formerly Invitae), Labcorp
Classification: Likely benign for Rubinstein-Taybi syndrome. Last evaluated: 2023-10-13. Review status: criteria provided, single submitter. Criteria: Invitae Variant Classification Sherloc (09022015). Collection method: clinical testing. Allele origin: germline.

Women's Health and Genetics/Laboratory Corporation of America, LabCorp
Classification: Uncertain significance. Last evaluated: 2023-03-28. Review status: criteria provided, single submitter. Criteria: LabCorp Variant Classification Summary - May 2015. Collection method: clinical testing. Allele origin: germline.
Comment: Variant summary: CREBBP c.2360C>T (p.Ala787Val) results in a non-conservative amino acid change in the encoded protein sequence. Three of five in-silico tools predict a benign effect of the variant on protein function. The variant allele was found at a frequency of 8e-06 in 251434 control chromosomes (gnomAD). The available data on variant occurrences in the general population are insufficient to allow any conclusion about variant significance. To our knowledge, no occurrence of c.2360C>T in individuals affected with Rubinstein-Taybi Syndrome and no experimental evidence demonstrating its impact on protein function have been reported. No clinical diagnostic laboratories have submitted clinical-significance assessments for this variant to ClinVar after 2014. Based on the evidence outlined above, the variant was classified as uncertain significance.

NM_004380.3(CREBBP):c.2360C>T (p.Ala787Val)

Gene: CREBBP (CREB binding lysine acetyltransferase; minus strand). Cytogenetic location: 16p13.3.
Variant type: single nucleotide variant.
Coding change: c.2360C>T on transcript NM_004380.3 (MANE Select); coding-DNA position 2360, C replaced by T.
Protein change: p.Ala787Val; replaces alanine 787 with valine.
Molecular consequence: missense variant.
Genome position (GRCh38, 1-based): chr16:3,773,854, G>A on the plus strand (C>T on the coding strand, the complement: CREBBP is on the minus strand). VCF-style: chr16-3773854-G-A. GRCh37 (hg19) VCF-style: chr16-3823855-G-A.
Other names: c.2246C>T, p.Ala749Val (NM_001079846.1); short protein forms A749V, A787V.
Identifiers: ClinVar variation 2501157 (VCV002501157.6), dbSNP rs117910358, ClinGen allele CA7870155.